The following is an entry in ClinVar:

ClinVar aggregate classification (germline): Benign/Likely benign. Review status: criteria provided, multiple submitters, no conflicts (2 of 4 stars). 7 submissions from 7 submitters: Benign (1); Likely benign (5). 1 of the submissions does not count toward it. Last evaluated 2026-07-01.

Conditions:
AXIN2-related disorder.
Oligodontia-cancer predisposition syndrome. Also called: TOOTH AGENESIS-COLORECTAL CANCER SYNDROME. Identifiers: Orphanet 300576, MedGen C1837750, MONDO:0012075, OMIM 608615. Disease mechanism: loss of function.
Hereditary cancer-predisposing syndrome. Also called: Hereditary Cancer Syndrome; Neoplastic Syndromes, Hereditary; Hereditary neoplastic syndrome; Tumor predisposition. Identifiers: Orphanet 140162, MedGen C0027672, MeSH D009386, MONDO:0015356.

Allele frequency attached by ClinVar (database versions not stated): TOPMed below 0.00001; gnomAD 0.00001; gnomAD exomes 0.00001.
gnomAD v4.1: 12 of 1,582,920 alleles (0.00076%); highest among the groups gnomAD compares: Non-Finnish European, 0.001%; no homozygotes.

Submissions (7):

CeGaT Center for Human Genetics Tuebingen
Classification: Likely benign. Last evaluated: 2026-07-01. Review status: criteria provided, single submitter. Criteria: CeGaT Center For Human Genetics Tuebingen Variant Classification Criteria Version 2. Collection method: clinical testing. Allele origin: germline. Affected: yes. Observed: 1 variant allele.
Comment: AXIN2: BP4, BP7

Labcorp Genetics (formerly Invitae), Labcorp
Classification: Likely benign for Oligodontia-cancer predisposition syndrome. Last evaluated: 2025-11-10. Review status: criteria provided, single submitter. Criteria: Invitae Variant Classification Sherloc (09022015). Collection method: clinical testing. Allele origin: germline.

Myriad Genetics, Inc.
Classification: Benign for Oligodontia-cancer predisposition syndrome. Last evaluated: 2024-07-02. Review status: criteria provided, single submitter. Criteria: Myriad Autosomal Dominant, Autosomal Recessive and X-Linked Classification Criteria (2023). Collection method: clinical testing. Allele origin: unknown.
Comment: This variant is considered benign. This variant is a silent/synonymous amino acid change and it is not expected to impact splicing.

Sema4
Classification: Likely benign for Hereditary cancer-predisposing syndrome. Last evaluated: 2022-02-02. Review status: criteria provided, single submitter. Criteria: Sema4 Curation Guidelines. Collection method: curation. Allele origin: germline.

Ambry Genetics
Classification: Likely benign for Hereditary cancer-predisposing syndrome. Last evaluated: 2018-11-01. Review status: criteria provided, single submitter. Criteria: Ambry Variant Classification Scheme 2023. Collection method: clinical testing. Allele origin: germline.

GeneDx
Classification: Likely benign. Last evaluated: 2018-01-19. Review status: criteria provided, single submitter. Criteria: GeneDx Variant Classification (06012015). Collection method: clinical testing. Allele origin: germline. Affected: yes.
Comment: This variant is considered likely benign or benign based on one or more of the following criteria: it is a conservative change, it occurs at a poorly conserved position in the protein, it is predicted to be benign by multiple in silico algorithms, and/or has population frequency not consistent with disease.

PreventionGenetics, part of Exact Sciences
Classification: Likely benign for AXIN2-related condition. Last evaluated: 2024-04-22. Review status: no assertion criteria provided. Collection method: clinical testing. Allele origin: germline. Not counted in ClinVar's aggregate classification.
Comment: This variant is classified as likely benign based on ACMG/AMP sequence variant interpretation guidelines (Richards et al. 2015 PMID: 25741868, with internal and published modifications).

NM_004655.4(AXIN2):c.1276C>T (p.Leu426=)

Gene: AXIN2 (axin 2; minus strand). Cytogenetic location: 17q24.1.
Variant type: single nucleotide variant.
Coding change: c.1276C>T on transcript NM_004655.4 (MANE Select); coding-DNA position 1276, C replaced by T.
Protein change: p.Leu426=; no amino-acid change (leucine 426 retained).
Molecular consequence: synonymous variant.
Genome position (GRCh38, 1-based): chr17:65,537,760, G>A on the plus strand (C>T on the coding strand, the complement: AXIN2 is on the minus strand). VCF-style: chr17-65537760-G-A. GRCh37 (hg19) VCF-style: chr17-63533878-G-A.
Other names: c.1276C>T (LRG_296t1); c.1276C>T, p.Leu426= (NM_001363813.1).
Identifiers: ClinVar variation 515020 (VCV000515020.20), dbSNP rs1228091347, ClinGen allele CA501691317.